The following is an entry in ClinVar:

NM_000059.4(BRCA2):c.66A>G (p.Ala22=)

Gene: BRCA2 (BRCA2 DNA repair associated; plus strand). Cytogenetic location: 13q13.1.
Variant type: single nucleotide variant.
Coding change: c.66A>G on transcript NM_000059.4 (MANE Select); coding-DNA position 66, A replaced by G.
Protein change: p.Ala22=; no amino-acid change (alanine 22 retained).
Molecular consequence: synonymous variant.
Genome position (GRCh38, 1-based): chr13:32,316,526, A>G. VCF-style: chr13-32316526-A-G. GRCh37 (hg19) VCF-style: chr13-32890663-A-G.
Identifiers: ClinVar variation 826559 (VCV000826559.14), dbSNP rs1555280115, ClinGen allele CA483272672.

ClinVar aggregate classification (germline): Uncertain significance. Review status: criteria provided, multiple submitters, no conflicts (2 of 4 stars). 3 submissions from 3 submitters: Uncertain significance (3). Last evaluated 2026-02-05.

Conditions:
Hereditary breast ovarian cancer syndrome. Also called: Hereditary breast and/or ovarian cancer syndrome; Hereditary breast and ovarian cancer syndrome; Breast and ovarian cancer; BRCA1- and BRCA2-Associated Hereditary Breast and Ovarian Cancer; Hereditary breast and ovarian cancer; Hereditary breast and ovarian cancer syndrome (HBOC). Identifiers: Orphanet 145, MedGen C0677776, MeSH D061325, MONDO:0003582. Disease mechanism: loss of function.
Hereditary cancer-predisposing syndrome. Also called: Hereditary Cancer Syndrome; Tumor predisposition; Neoplastic Syndromes, Hereditary; Hereditary neoplastic syndrome. Identifiers: Orphanet 140162, MedGen C0027672, MeSH D009386, MONDO:0015356.

Submissions (3):

Ambry Genetics
Classification: Uncertain significance for Hereditary cancer-predisposing syndrome. Last evaluated: 2026-02-05. Review status: criteria provided, single submitter. Criteria: Ambry Variant Classification Scheme 2023. Collection method: clinical testing. Allele origin: germline.
Comment: The c.66A>G variant (also known as p.A22A), located in coding exon 1 of the BRCA2 gene, results from an A to G substitution at nucleotide position 66. This nucleotide substitution does not change the alanine at codon 22. This nucleotide position is highly conserved in available vertebrate species. In silico splice site analysis predicts that this alteration may weaken the native splice donor site. Based on the available evidence, the clinical significance of this variant remains unclear.

Color Diagnostics, LLC DBA Color Health
Classification: Uncertain significance for Hereditary cancer-predisposing syndrome. Last evaluated: 2024-08-14. Review status: criteria provided, single submitter. Criteria: ACMG Guidelines, 2015. Collection method: clinical testing. Allele origin: germline.
Comment: This synonymous variant causes an A>G nucleotide change in exon 2 of the BRCA2 gene. Splice site prediction tools indicate that this variant may weaken the intron 2 splice donor site (PMID: 30661751, 35449021). To our knowledge, RNA and functional studies have not been reported for this variant. This variant has not been reported in individuals affected with BRCA2-related disorders in the literature. This variant has not been identified in the general population by the Genome Aggregation Database (gnomAD). The available evidence is insufficient to determine the role of this variant in disease conclusively. Therefore, this variant is classified as a Variant of Uncertain Significance.

Labcorp Genetics (formerly Invitae), Labcorp
Classification: Uncertain significance for Hereditary breast ovarian cancer syndrome. Last evaluated: 2020-12-23. Review status: criteria provided, single submitter. Criteria: Invitae Variant Classification Sherloc (09022015). Collection method: clinical testing. Allele origin: germline.
Comment: In summary, the available evidence is currently insufficient to determine the role of this variant in disease. Therefore, it has been classified as a Variant of Uncertain Significance. Algorithms developed to predict the effect of sequence changes on RNA splicing suggest that this variant may disrupt the consensus splice site, but this prediction has not been confirmed by published transcriptional studies. This variant has not been reported in the literature in individuals with BRCA2-related conditions. ClinVar contains an entry for this variant (Variation ID: 826559). This variant is not present in population databases (ExAC no frequency). This sequence change affects codon 22 of the BRCA2 mRNA. It is a 'silent' change, meaning that it does not change the encoded amino acid sequence of the BRCA2 protein.

Literature cited by the submitters: PubMed 30661751 (cited by Color Diagnostics, LLC DBA Color Health); PubMed 35449021 (cited by Color Diagnostics, LLC DBA Color Health).